The following is an entry in ClinVar:

NM_001312673.2(PCYT1A):c.304C>G (p.Leu102Val)

Gene: PCYT1A (phosphate cytidylyltransferase 1A, choline; minus strand). Cytogenetic location: 3q29.
Variant type: single nucleotide variant.
Coding change: c.304C>G on transcript NM_001312673.2 (MANE Select); coding-DNA position 304, C replaced by G.
Protein change: p.Leu102Val; replaces leucine 102 with valine.
Molecular consequence: missense variant.
Genome position (GRCh38, 1-based): chr3:196,248,237, G>C on the plus strand (C>G on the coding strand, the complement: PCYT1A is on the minus strand). VCF-style: chr3-196248237-G-C. GRCh37 (hg19) VCF-style: chr3-195975108-G-C.
Other names: c.304C>G, p.Leu102Val (NM_005017.4); short protein forms L102V.
Identifiers: ClinVar variation 1518908 (VCV001518908.8), dbSNP rs2108766509, ClinGen allele CA355588064.
Genomic context (GRCh38, chr3:196,248,237, plus strand): 5'-AGCACCTGAAGTCACCAAATGTTTTCTTACCTCCCACAATGAGGTACGTATTAGGGAAAA[G>C]GTTCTTCGCTTGCATCAGAGCTCGGGCGTGACCAGAGTGAAATAAGTCAAATATTCCATC-3'
Protein context (NP_001299602.1, residues 92-112): HARALMQAKN[Leu102Val]FPNTYLIVGV

ClinVar aggregate classification (germline): Uncertain significance (1 of 4 stars; one submission).

gnomAD v4.1: 1 of 1,611,174 alleles (0.000062%); highest among the groups gnomAD compares: Non-Finnish European, 0.000085%; no homozygotes.

Submission:

Labcorp Genetics (formerly Invitae), Labcorp
Classification: Uncertain significance. Last evaluated: 2025-07-07. Review status: criteria provided, single submitter. Criteria: Invitae Variant Classification Sherloc (09022015). Collection method: clinical testing. Allele origin: germline.
Comment: This sequence change replaces leucine, which is neutral and non-polar, with valine, which is neutral and non-polar, at codon 102 of the PCYT1A protein (p.Leu102Val). This variant is not present in population databases (gnomAD no frequency). This variant has not been reported in the literature in individuals affected with PCYT1A-related conditions. ClinVar contains an entry for this variant (Variation ID: 1518908). Invitae Evidence Modeling of protein sequence and biophysical properties (such as structural, functional, and spatial information, amino acid conservation, physicochemical variation, residue mobility, and thermodynamic stability) indicates that this missense variant is not expected to disrupt PCYT1A protein function with a negative predictive value of 95%. In summary, the available evidence is currently insufficient to determine the role of this variant in disease. Therefore, it has been classified as a Variant of Uncertain Significance.